The following is an entry in ClinVar:

ClinVar aggregate classification (germline): Uncertain significance (1 of 4 stars; one submission).

Submission:

GeneDx
Classification: Uncertain significance. Last evaluated: 2025-04-26. Review status: criteria provided, single submitter. Criteria: GeneDx Variant Classification Process June 2021. Collection method: clinical testing. Allele origin: germline. Affected: yes.
Comment: Not observed at significant frequency in large population cohorts (gnomAD); In silico analysis indicates that this missense variant does not alter protein structure/function; Has not been previously published as pathogenic or benign to our knowledge

NM_014271.4(IL1RAPL1):c.268G>A (p.Ala90Thr)

Gene: IL1RAPL1 (interleukin 1 receptor accessory protein like 1; plus strand). Cytogenetic location: Xp21.3.
Variant type: single nucleotide variant.
Coding change: c.268G>A on transcript NM_014271.4 (MANE Select); coding-DNA position 268, G replaced by A.
Protein change: p.Ala90Thr; replaces alanine 90 with threonine.
Molecular consequence: missense variant.
Genome position (GRCh38, 1-based): chrX:29,283,123, G>A. VCF-style: chrX-29283123-G-A. GRCh37 (hg19) VCF-style: chrX-29301240-G-A.
Other names: short protein forms A90T.
Identifiers: ClinVar variation 4527454 (VCV004527454.1).